The following is an entry in ClinVar:

NM_006766.5(KAT6A):c.2385G>C (p.Glu795Asp)

Gene: KAT6A (lysine acetyltransferase 6A; minus strand). Cytogenetic location: 8p11.21.
Variant type: single nucleotide variant.
Coding change: c.2385G>C on transcript NM_006766.5 (MANE Select); coding-DNA position 2385, G replaced by C.
Protein change: p.Glu795Asp; replaces glutamic acid 795 with aspartic acid.
Molecular consequence: missense variant.
Genome position (GRCh38, 1-based): chr8:41,942,844, C>G on the plus strand (G>C on the coding strand, the complement: KAT6A is on the minus strand). VCF-style: chr8-41942844-C-G. GRCh37 (hg19) VCF-style: chr8-41800362-C-G.
Other names: c.2385G>C, p.Glu795Asp (NM_001305878.2); short protein forms E795D.
Identifiers: ClinVar variation 2823924 (VCV002823924.3), dbSNP rs774516596, ClinGen allele CA371072584.

ClinVar aggregate classification (germline): Uncertain significance (1 of 4 stars; one submission).

gnomAD v4.1: 1 of 1,614,122 alleles (0.000062%); highest among the groups gnomAD compares: African/African-American, 0.0013%; no homozygotes.

Submission:

Labcorp Genetics (formerly Invitae), Labcorp
Classification: Uncertain significance. Last evaluated: 2022-12-24. Review status: criteria provided, single submitter. Criteria: Invitae Variant Classification Sherloc (09022015). Collection method: clinical testing. Allele origin: germline.
Comment: In summary, the available evidence is currently insufficient to determine the role of this variant in disease. Therefore, it has been classified as a Variant of Uncertain Significance. Advanced modeling of protein sequence and biophysical properties (such as structural, functional, and spatial information, amino acid conservation, physicochemical variation, residue mobility, and thermodynamic stability) performed at Invitae indicates that this missense variant is not expected to disrupt KAT6A protein function. This variant has not been reported in the literature in individuals affected with KAT6A-related conditions. This variant is not present in population databases (gnomAD no frequency). This sequence change replaces glutamic acid, which is acidic and polar, with aspartic acid, which is acidic and polar, at codon 795 of the KAT6A protein (p.Glu795Asp).